The following is an entry in ClinVar:

NM_001165963.4(SCN1A):c.607G>A (p.Val203Ile)

Gene: SCN1A (sodium voltage-gated channel alpha subunit 1; minus strand). Cytogenetic location: 2q24.3.
Variant type: single nucleotide variant.
Coding change: c.607G>A on transcript NM_001165963.4 (MANE Select); coding-DNA position 607, G replaced by A.
Protein change: p.Val203Ile; replaces valine 203 with isoleucine.
Molecular consequence: missense variant. On other transcripts: 5 prime UTR variant (1), non-coding transcript variant (1).
Genome position (GRCh38, 1-based): chr2:166,052,939, C>T on the plus strand (G>A on the coding strand, the complement: SCN1A is on the minus strand). VCF-style: chr2-166052939-C-T. GRCh37 (hg19) VCF-style: chr2-166909449-C-T.
Other names: c.607G>A, p.Val203Ile (NM_001165964.3, NM_001202435.3, NM_001353948.2 and 10 more transcripts); c.-1819G>A (NM_001353961.2); short protein forms V203I.
Identifiers: ClinVar variation 426348 (VCV000426348.11), dbSNP rs569880910, ClinGen allele CA1943471.

ClinVar aggregate classification (germline): Uncertain significance. Review status: criteria provided, multiple submitters, no conflicts (2 of 4 stars). 3 submissions from 3 submitters: Uncertain significance (2). 1 of the submissions does not count toward it. Last evaluated 2025-12-08.

Conditions:
Seizure. Also called: Seizures. Identifiers: MedGen C0036572, HP:0001250.
Early-infantile DEE. Also called: Early infantile epileptic encephalopathy; Ohtahara syndrome; Early infantile epileptic encephalopathy with suppression bursts. Identifiers: Orphanet 1934, MedGen C0393706, MONDO:0800491.

Allele frequency attached by ClinVar (database versions not stated): TOPMed below 0.00001; ExAC 0.00001; gnomAD 0.00001 and 0.00002; gnomAD exomes 0.00001 and 0.00002; 1000 Genomes Project 30x 0.00016; 1000 Genomes Project 0.00020.
gnomAD v4.1: 15 of 1,611,572 alleles (0.00093%); highest among the groups gnomAD compares: Admixed American, 0.0033%; no homozygotes.

Submissions (3):

Labcorp Genetics (formerly Invitae), Labcorp
Classification: Uncertain significance for Early-infantile DEE. Last evaluated: 2025-12-08. Review status: criteria provided, single submitter. Criteria: Invitae Variant Classification Sherloc (09022015). Collection method: clinical testing. Allele origin: germline.
Comment: This sequence change replaces valine, which is neutral and non-polar, with isoleucine, which is neutral and non-polar, at codon 203 of the SCN1A protein (p.Val203Ile). This variant is present in population databases (rs569880910, gnomAD 0.008%). This variant has not been reported in the literature in individuals affected with SCN1A-related conditions. ClinVar contains an entry for this variant (Variation ID: 426348). Invitae Evidence Modeling of protein sequence and biophysical properties (such as structural, functional, and spatial information, amino acid conservation, physicochemical variation, residue mobility, and thermodynamic stability) has been performed for this missense variant. However, the output from this modeling did not meet the statistical confidence thresholds required to predict the impact of this variant on SCN1A protein function. In summary, the available evidence is currently insufficient to determine the role of this variant in disease. Therefore, it has been classified as a Variant of Uncertain Significance.

GeneDx
Classification: Uncertain significance. Last evaluated: 2018-10-01. Review status: criteria provided, single submitter. Criteria: GeneDx Variant Classification (06012015). Collection method: clinical testing. Allele origin: germline. Affected: yes.
Comment: The V203I variant in the SCN1A gene has not been reported previously as a pathogenic variant nor as a benign variant, to our knowledge. The V203I variant is observed in 6/275,664 (0.0022%) global alleles in large population cohorts (Lek et al., 2016). The V203I variant is a conservative amino acid substitution and is predicted to be in the transmembrane segment S3 of the first homologous domain of the SCN1A protein. In silico analyses, including protein predictors and evolutionary conservation, support that this variant does not alter protein structure/function. A missense variant in a nearby residue (T199R) has been reported in the Human Gene Mutation Database in association with an SCN1A-related disorder (Stenson et al., 2014), suggesting a functional importance for this region of the protein. We interpret V203I as a variant of uncertain significance.

Diagnostic Laboratory, Strasbourg University Hospital
Classification: Uncertain significance for Seizure. Review status: no assertion criteria provided. Collection method: clinical testing. Allele origin: maternal. Affected: yes. Observed: 1 heterozygote. Not counted in ClinVar's aggregate classification.